The following is an entry in ClinVar:

NM_003072.5(SMARCA4):c.*4_*5dup

Gene: SMARCA4 (SWI/SNF related BAF chromatin remodeling complex subunit ATPase 4; plus strand). Cytogenetic location: 19p13.2.
Variant type: Duplication.
Coding change: c.*4_*5dup on transcript NM_003072.5 (MANE Select); 4 bases downstream of the stop codon through 5 bases downstream of the stop codon, 2 bases duplicated (CC; older notation c.*4_*5dupCC).
Molecular consequence: 3 prime UTR variant. On other transcripts: non-coding transcript variant (1).
Genome position (GRCh38, 1-based): chr19:11,061,820-11,061,821, CC duplicated; duplicating any 2 consecutive bases within chr19:11,061,818-11,061,821 gives the same sequence; the c. name uses the placement nearest the transcript's 3' end. VCF-style (leftmost placement, unchanged base first): chr19-11061817-G-GCC. GRCh37 (hg19) VCF-style: chr19-11172493-G-GCC.
Other names: c.*4_*5dup (NM_001128844.3, NM_001128845.2, NM_001128846.2 and 5 more transcripts).
Identifiers: ClinVar variation 1030174 (VCV001030174.1), dbSNP rs2076919180, ClinGen allele CA2322745815.
Genomic context (GRCh38, chr19:11,061,817, plus strand): 5'-CACTCTCTCCTCCTGTCCCCTCTCCAGGACCGCTCAGGAAGTGGCAGCGAAGAAGACTGA[G>GCC]CCCCGACATTCCAGTCTCGACCCCGAGCCCCTCGTTCCAGAGCTGAGATGGCATAGGCCT-3'

ClinVar aggregate classification (germline): Uncertain significance (1 of 4 stars; one submission).

Conditions:
Intellectual disability, autosomal dominant 16 (CSS4). Also called: COFFIN-SIRIS SYNDROME 4. Identifiers: Orphanet 1465, MedGen C3553249, MONDO:0013821, OMIM 614609.

Submission:

Baylor Genetics
Classification: Uncertain significance for Intellectual disability, autosomal dominant 16. Last evaluated: 2019-08-16. Review status: criteria provided, single submitter. Criteria: ACMG Guidelines, 2015. Collection method: clinical testing. Allele origin: maternal. Affected: yes.
Comment: This variant was determined to be of uncertain significance according to ACMG Guidelines, 2015 [PMID:25741868].